The following is an entry in ClinVar:

ClinVar aggregate classification (germline): Uncertain significance. Review status: criteria provided, multiple submitters, no conflicts (2 of 4 stars). 2 submissions from 2 submitters: Uncertain significance (2). Last evaluated 2024-02-22.

Allele frequency attached by ClinVar (database versions not stated): gnomAD exomes 0.00001; TOPMed 0.00001.
gnomAD v4.1: 10 of 1,613,506 alleles (0.00062%); highest among the groups gnomAD compares: Non-Finnish European, 0.00085%; no homozygotes.

Submissions (2):

Women's Health and Genetics/Laboratory Corporation of America, LabCorp
Classification: Uncertain significance. Last evaluated: 2024-02-22. Review status: criteria provided, single submitter. Criteria: LabCorp Variant Classification Summary - May 2015. Collection method: clinical testing. Allele origin: germline.
Comment: Variant summary: FTO c.809G>A (p.Trp270X) results in a premature termination codon, predicted to cause a truncation of the encoded protein or absence of the protein due to nonsense mediated decay, however current evidence is not sufficient to establish loss-of-function variants in FTO as causative of disease. The variant allele was found at a frequency of 6.8e-06 in 1461336 control chromosomes. To our knowledge, no occurrence of c.809G>A in individuals affected with FTO-Related Disorders and no experimental evidence demonstrating its impact on protein function have been reported. No submitters have cited clinical-significance assessments for this variant to ClinVar. Based on the evidence outlined above, the variant was classified as uncertain significance.

GeneDx
Classification: Uncertain significance. Last evaluated: 2023-08-02. Review status: criteria provided, single submitter. Criteria: GeneDx Variant Classification Process June 2021. Collection method: clinical testing. Allele origin: germline. Affected: yes.
Comment: Nonsense variant predicted to result in protein truncation or nonsense mediated decay in a gene for which loss-of-function is not an established mechanism of disease; Not observed at significant frequency in large population cohorts (gnomAD); Has not been previously published as pathogenic or benign to our knowledge

NM_001080432.3(FTO):c.809G>A (p.Trp270Ter)

Gene: FTO (FTO alpha-ketoglutarate dependent dioxygenase; plus strand). Cytogenetic location: 16q12.2.
Variant type: single nucleotide variant.
Coding change: c.809G>A on transcript NM_001080432.3 (MANE Select); coding-DNA position 809, G replaced by A.
Protein change: p.Trp270Ter; replaces tryptophan 270 with a stop codon.
Molecular consequence: nonsense. On other transcripts: non-coding transcript variant (1), intron variant (2).
Genome position (GRCh38, 1-based): chr16:53,844,212, G>A. VCF-style: chr16-53844212-G-A. GRCh37 (hg19) VCF-style: chr16-53878124-G-A.
Other names: c.839G>A, p.Trp280Ter (NM_001363891.2, NM_001363898.2); c.809G>A, p.Trp270Ter (NM_001363894.2, NM_001363896.2, NM_001363900.2 and 5 more transcripts); c.731G>A, p.Trp244Ter (NM_001363897.2); c.809G>A (NM_001080432.2); c.296G>A, p.Trp99Ter (NM_001363905.2); c.781+17691G>A (NM_001363899.2); c.751+17721G>A (NM_001363901.2); short protein forms W244*, W270*, W280*, W99*.
Identifiers: ClinVar variation 3068927 (VCV003068927.3), dbSNP rs964254505, ClinGen allele CA281966598.
Genomic context (GRCh38, chr16:53,844,212, plus strand): 5'-CAGGCCCTGAAGAGGAAAGTGAGGATGACTCTCATCTCGAAGGCAGGGATCCTGATATTT[G>A]GCATGTTGGTTTTAAGATCTCATGGGACATAGAGACACCTGGTTTGGCGATACCCCTTCA-3'